The following is an entry in ClinVar:

ClinVar aggregate classification (germline): Uncertain significance (1 of 4 stars; one submission).

Conditions:
Encephalopathy, acute, infection-induced (herpes-specific), susceptibility to, 6. Also called: Herpes simplex encephalitis, susceptibility to, 4. Identifiers: Orphanet 1930, MedGen C3553869, MONDO:0013921, OMIM 614850.

Allele frequency attached by ClinVar (database versions not stated): TOPMed below 0.00001; ExAC 0.00001; gnomAD exomes 0.00001 and below 0.00001.
gnomAD v4.1: 3 of 1,614,182 alleles (0.00019%); highest among the groups gnomAD compares: South Asian, 0.0011%; no homozygotes.

Submission:

Labcorp Genetics (formerly Invitae), Labcorp
Classification: Uncertain significance for Encephalopathy, acute, infection-induced (herpes-specific), susceptibility to, 6. Last evaluated: 2025-02-03. Review status: criteria provided, single submitter. Criteria: Invitae Variant Classification Sherloc (09022015). Collection method: clinical testing. Allele origin: germline.
Comment: This sequence change replaces arginine, which is basic and polar, with glutamine, which is neutral and polar, at codon 411 of the TICAM1 protein (p.Arg411Gln). This variant is present in population databases (rs776276419, gnomAD 0.003%). This variant has not been reported in the literature in individuals affected with TICAM1-related conditions. ClinVar contains an entry for this variant (Variation ID: 1350956). An algorithm developed to predict the effect of missense changes on protein structure and function (PolyPhen-2) suggests that this variant is likely to be disruptive. In summary, the available evidence is currently insufficient to determine the role of this variant in disease. Therefore, it has been classified as a Variant of Uncertain Significance.

NM_182919.4(TICAM1):c.1232G>A (p.Arg411Gln)

Gene: TICAM1 (TIR domain containing adaptor molecule 1; minus strand). Cytogenetic location: 19p13.3.
Variant type: single nucleotide variant.
Coding change: c.1232G>A on transcript NM_182919.4 (MANE Select); coding-DNA position 1232, G replaced by A.
Protein change: p.Arg411Gln; replaces arginine 411 with glutamine.
Molecular consequence: missense variant.
Genome position (GRCh38, 1-based): chr19:4,817,146, C>T on the plus strand (G>A on the coding strand, the complement: TICAM1 is on the minus strand). VCF-style: chr19-4817146-C-T. GRCh37 (hg19) VCF-style: chr19-4817158-C-T.
Other names: c.1190G>A, p.Arg397Gln (NM_001385678.1); c.1097G>A, p.Arg366Gln (NM_001385679.1); c.590G>A, p.Arg197Gln (NM_001385680.1); short protein forms R197Q, R366Q, R397Q, R411Q.
Identifiers: ClinVar variation 1350956 (VCV001350956.8), dbSNP rs776276419, ClinGen allele CA9105175.
Genomic context (GRCh38, chr19:4,817,146, plus strand): 5'-AAATCCTCGCAGAAGGTGGCCCCGTCGGGCACGCCAAGGGCCTCCAGCTTCTCCCGAACC[C>T]GCAGGGCGATGTGTTCGTCTGCCCTGGCGTGGAGGATCACAAAGTTATAGAATTTCTGTT-3'
Protein context (NP_891549.1, residues 401-421): HARADEHIAL[Arg411Gln]VREKLEALGV